The following is an entry in ClinVar:

NM_001375524.1(TRRAP):c.6740A>C (p.Glu2247Ala)

Gene: TRRAP (transformation/transcription domain associated protein; plus strand). Cytogenetic location: 7q22.1.
Variant type: single nucleotide variant.
Coding change: c.6740A>C on transcript NM_001375524.1 (MANE Select); coding-DNA position 6740, A replaced by C.
Protein change: p.Glu2247Ala; replaces glutamic acid 2247 with alanine.
Molecular consequence: missense variant.
Genome position (GRCh38, 1-based): chr7:98,962,338, A>C. VCF-style: chr7-98962338-A-C. GRCh37 (hg19) VCF-style: chr7-98559961-A-C.
Other names: c.6719A>C, p.Glu2240Ala (NM_001244580.2); c.6665A>C, p.Glu2222Ala (NM_003496.4); short protein forms E2222A, E2240A, E2247A.
Identifiers: ClinVar variation 4540227 (VCV004540227.1).

ClinVar aggregate classification (germline): Uncertain significance (1 of 4 stars; one submission).

Submission:

GeneDx
Classification: Uncertain significance. Last evaluated: 2025-06-23. Review status: criteria provided, single submitter. Criteria: GeneDx Variant Classification Process June 2021. Collection method: clinical testing. Allele origin: germline. Affected: yes.
Comment: Not observed at significant frequency in large population cohorts (gnomAD); In silico analysis supports that this missense variant has a deleterious effect on protein structure/function; Has not been previously published as pathogenic or benign to our knowledge